The following is an entry in ClinVar:

NM_000051.4(ATM):c.4922A>G (p.Asp1641Gly)

Gene: ATM (ATM serine/threonine kinase; plus strand). Cytogenetic location: 11q22.3.
Variant type: single nucleotide variant.
Coding change: c.4922A>G on transcript NM_000051.4 (MANE Select); coding-DNA position 4922, A replaced by G.
Protein change: p.Asp1641Gly; replaces aspartic acid 1641 with glycine.
Molecular consequence: missense variant.
Genome position (GRCh38, 1-based): chr11:108,297,299, A>G. VCF-style: chr11-108297299-A-G. GRCh37 (hg19) VCF-style: chr11-108168026-A-G.
Other names: c.4922A>G, p.Asp1641Gly (NM_001351834.2); short protein forms D1641G.
Identifiers: ClinVar variation 2882570 (VCV002882570.4), dbSNP rs2135861423, ClinGen allele CA382538057.

ClinVar aggregate classification (germline): Uncertain significance. Review status: criteria provided, multiple submitters, no conflicts (2 of 4 stars). 2 submissions from 2 submitters: Uncertain significance (2). Last evaluated 2024-11-13.

Conditions:
Ataxia-telangiectasia syndrome (AT). Also called: Ataxia-telangiectasia, complementation group E; Ataxia telangiectasia (A-T); LOUIS-BAR SYNDROME; ATAXIA-TELANGIECTASIA, COMPLEMENTATION GROUP A; ATAXIA-TELANGIECTASIA, FRESNO VARIANT; Ataxia-telangiectasia, complementation group D. Identifiers: Orphanet 100, MedGen C0004135, MONDO:0008840, OMIM 208900.
Hereditary cancer-predisposing syndrome. Also called: Hereditary Cancer Syndrome; Hereditary neoplastic syndrome; Neoplastic Syndromes, Hereditary; Tumor predisposition. Identifiers: Orphanet 140162, MedGen C0027672, MeSH D009386, MONDO:0015356.

Submissions (2):

Color Diagnostics, LLC DBA Color Health
Classification: Uncertain significance for Hereditary cancer-predisposing syndrome. Last evaluated: 2024-11-13. Review status: criteria provided, single submitter. Criteria: ACMG Guidelines, 2015. Collection method: clinical testing. Allele origin: germline.
Comment: This missense variant replaces aspartic acid with glycine at codon 1641 of the ATM protein. Computational prediction suggests that this variant may not impact protein structure and function (internally defined REVEL score threshold <= 0.5, PMID: 27666373). To our knowledge, functional studies have not been reported for this variant. This variant has not been reported in individuals affected with ATM-related disorders in the literature. This variant has not been identified in the general population by the Genome Aggregation Database (gnomAD). The available evidence is insufficient to determine the role of this variant in disease conclusively. Therefore, this variant is classified as a Variant of Uncertain Significance.

Labcorp Genetics (formerly Invitae), Labcorp
Classification: Uncertain significance for Ataxia-telangiectasia syndrome. Last evaluated: 2024-04-29. Review status: criteria provided, single submitter. Criteria: Invitae Variant Classification Sherloc (09022015). Collection method: clinical testing. Allele origin: germline.
Comment: This sequence change replaces aspartic acid, which is acidic and polar, with glycine, which is neutral and non-polar, at codon 1641 of the ATM protein (p.Asp1641Gly). This variant is not present in population databases (gnomAD no frequency). This variant has not been reported in the literature in individuals affected with ATM-related conditions. Algorithms developed to predict the effect of missense changes on protein structure and function output the following: SIFT: "Not Available"; PolyPhen-2: "Benign"; Align-GVGD: "Not Available". The glycine amino acid residue is found in multiple mammalian species, which suggests that this missense change does not adversely affect protein function. RNA analysis performed to evaluate the impact of this missense change on mRNA splicing indicates it does not significantly alter splicing (Invitae). In summary, the available evidence is currently insufficient to determine the role of this variant in disease. Therefore, it has been classified as a Variant of Uncertain Significance.